The following is an entry in ClinVar:

ClinVar aggregate classification (germline): Pathogenic. Review status: reviewed by expert panel (3 of 4 stars). 8 submissions from 8 submitters: Pathogenic (1). 7 of the submissions do not count toward it. Last evaluated 2020-01-10.

Conditions:
CFTR-related disorder (CFTR-RD). Also called: CFTR-related disorders; CFTR-related condition. Identifiers: MedGen C5924204, MONDO:7770004.
Cystic fibrosis (CF). Also called: MUCOVISCIDOSIS. Identifiers: Orphanet 586, MedGen C0010674, MONDO:0009061, OMIM 219700. Disease mechanism: loss of function.

gnomAD v4.1: 2 of 1,613,708 alleles (0.00012%); highest among the groups gnomAD compares: Non-Finnish European, 0.00017%; no homozygotes.

Submissions (8):

CFTR2
Classification: Pathogenic for Cystic fibrosis. Last evaluated: 2020-01-10. Review status: reviewed by expert panel. Criteria: Submitter's publication and website. Collection method: research. Allele origin: germline. Affected: yes.

Natera, Inc.
Classification: Likely pathogenic for CFTR-related disorders. Last evaluated: 2025-08-03. Review status: criteria provided, single submitter. Criteria: Natera Variant Classification Schema (03/2026). Collection method: clinical testing. Allele origin: germline. Not counted in ClinVar's aggregate classification.
Comment: The c.350G>C variant in CFTR is a missense variant predicted to cause substitution of arginine to proline at amino acid 117. This variant is rare in the general population with a frequency below the threshold expected for the associated phenotype(s). This variant has been observed in one or more individuals affected with the associated recessive disease, as either homozygous or compound heterozygous with a second variant (PMID: 34782259, 7689013). Functional studies show that this variant may disrupt protein function (PMID: 11278813). A different variant at the same position has been determined to be Pathogenic or Likely Pathogenic. Computational prediction algorithms indicate this variant is likely to affect gene or protein function. Given the available evidence, this variant is classified as Likely Pathogenic.

Ambry Genetics
Classification: Likely pathogenic for Cystic fibrosis. Last evaluated: 2023-06-15. Review status: criteria provided, single submitter. Criteria: Ambry Variant Classification Scheme 2023. Collection method: clinical testing. Allele origin: germline. Not counted in ClinVar's aggregate classification.
Comment: The p.R117P variant (also known as c.350G>C), located in coding exon 4 of the CFTR gene, results from a G to C substitution at nucleotide position 350. The arginine at codon 117 is replaced by proline, an amino acid with dissimilar properties. This variant has been detected as both heterozygous and compound heterozygous in several individuals with cystic fibrosis (CF) and CFTR-related disorders (Pepermans X et al. Clin. Biochem., 2016 Jan;49:154-60; Reiss J et al. Hum. Mol. Genet., 1993 Jun;2:809-11; Feldmann D et al. Hum. Mutat., 1998;Suppl 1:S78-80; Claustres M et al. Hum. Mutat., 2000;16:143-56). In addition, four different variants located at the same position, p.R117H, p.R117G, p.R117L, and p.R117C, have been reported in individuals with CF and CFTR-related disorders (Sosnay PR et al. Nat Genet. 2013;45(10):1160-7; D&ouml;rk T et al. Hum Genet. 1994;94(5):533-42; Lucarelli M et al. Mol. Med., 2015 Apr;21:257-75; Claustres M et al. Hum. Mutat., 2000;16:143-56; Daudin M et al. Fertil. Steril., 2000 Dec;74:1164-74; Thauvin-Robinet C et al. J. Med. Genet., 2013 Apr;50:220-7). This variant was not reported in population-based cohorts in the Genome Aggregation Database (gnomAD). This amino acid position is highly conserved in available vertebrate species. In addition, this alteration is predicted to be deleterious by in silico analysis. Based on the majority of available evidence to date, this variant is likely to be pathogenic.

Institute of Human Genetics, University of Leipzig Medical Center
Classification: Pathogenic for Cystic fibrosis. Last evaluated: 2022-09-05. Review status: criteria provided, single submitter. Criteria: ACMG Guidelines, 2015. Collection method: curation. Allele origin: unknown. Affected: yes. Observed: 1 variant allele. Not counted in ClinVar's aggregate classification.
Comment: The variant was classified in the context of a project re-classifying variants in the German Cystic Fibrosis Registry (Muko.e.V.). Criteria applied: PM1, PM2_SUP, PM3_STR, PM5_STR, PP3, PP4

Labcorp Genetics (formerly Invitae), Labcorp
Classification: Likely pathogenic for Cystic fibrosis. Last evaluated: 2022-08-16. Review status: criteria provided, single submitter. Criteria: Invitae Variant Classification Sherloc (09022015). Collection method: clinical testing. Allele origin: germline. Not counted in ClinVar's aggregate classification.
Comment: This variant is not present in population databases (gnomAD no frequency). This missense change has been observed in individuals with clinical features of cystic fibrosis (PMID: 7689013, 9401110, 9452048, 26500004; Invitae). This variant is also known as 482G>C. ClinVar contains an entry for this variant (Variation ID: 53764). Algorithms developed to predict the effect of missense changes on protein structure and function are either unavailable or do not agree on the potential impact of this missense change (SIFT: "Tolerated"; PolyPhen-2: "Possibly Damaging"; Align-GVGD: "Class C0"). Experimental studies have shown that this missense change affects CFTR function (PMID: 11278813). This variant disrupts the p.Arg117 amino acid residue in CFTR. Other variant(s) that disrupt this residue have been determined to be pathogenic (PMID: 7525450, 15482777, 21783433, 22658665, 23974870, 24586523). This suggests that this residue is clinically significant, and that variants that disrupt this residue are likely to be disease-causing. In summary, the currently available evidence indicates that the variant is pathogenic, but additional data are needed to prove that conclusively. Therefore, this variant has been classified as Likely Pathogenic. This sequence change replaces arginine, which is basic and polar, with proline, which is neutral and non-polar, at codon 117 of the CFTR protein (p.Arg117Pro).

GeneDx
Classification: Likely pathogenic. Last evaluated: 2021-05-24. Review status: criteria provided, single submitter. Criteria: GeneDx Variant Classification Process June 2021. Collection method: clinical testing. Allele origin: germline. Affected: yes. Not counted in ClinVar's aggregate classification.
Comment: Not observed in large population cohorts (Lek et al., 2016); In silico analysis, which includes protein predictors and evolutionary conservation, supports a deleterious effect; This variant is associated with the following publications: (PMID: 11278813, 19236881, 7689013, 26500004, 16049310, 20932301, 11180668, 9452048, 20706124, 10923036)

Johns Hopkins Genomics, Johns Hopkins University
Classification: Pathogenic for Cystic fibrosis. Last evaluated: 2020-02-10. Review status: criteria provided, single submitter. Criteria: ACMG Guidelines, 2015. Collection method: clinical testing. Allele origin: germline. Not counted in ClinVar's aggregate classification.
Comment: Disease-causing CFTR variant. See CFTR2 for phenotype information.

ClinVar Staff, National Center for Biotechnology Information (NCBI)
No classification provided. Condition: CFTR-related disorders. Review status: no classification provided. Collection method: literature only. Allele origin: germline. Affected: yes. Not counted in ClinVar's aggregate classification.

Literature cited by the submitters: PubMed 34782259 (cited by Natera, Inc.); PubMed 7689013 (cited by 3 submitters); PubMed 11278813 (cited by Natera, Inc. and Labcorp Genetics (formerly Invitae), Labcorp); PubMed 10923036 (cited by Ambry Genetics); PubMed 20932301 (cited by Ambry Genetics); PubMed 26500004 (cited by Ambry Genetics and Labcorp Genetics (formerly Invitae), Labcorp); PubMed 9452048 (cited by Ambry Genetics and Labcorp Genetics (formerly Invitae), Labcorp); PubMed 9401110 (cited by Labcorp Genetics (formerly Invitae), Labcorp); PubMed 7525450 (cited by Labcorp Genetics (formerly Invitae), Labcorp); PubMed 15482777 (cited by Labcorp Genetics (formerly Invitae), Labcorp); PubMed 21783433 (cited by Labcorp Genetics (formerly Invitae), Labcorp); PubMed 22658665 (cited by Labcorp Genetics (formerly Invitae), Labcorp); PubMed 23974870 (cited by Labcorp Genetics (formerly Invitae), Labcorp); PubMed 24586523 (cited by Labcorp Genetics (formerly Invitae), Labcorp); PubMed 11180668 (cited by ClinVar Staff, National Center for Biotechnology Information (NCBI)).

NM_000492.4(CFTR):c.350G>C (p.Arg117Pro)

Gene: CFTR (CF transmembrane conductance regulator; plus strand). Cytogenetic location: 7q31.2.
Variant type: single nucleotide variant.
Coding change: c.350G>C on transcript NM_000492.4 (MANE Select); coding-DNA position 350, G replaced by C.
Protein change: p.Arg117Pro; replaces arginine 117 with proline.
Molecular consequence: missense variant.
Genome position (GRCh38, 1-based): chr7:117,530,975, G>C. VCF-style: chr7-117530975-G-C. GRCh37 (hg19) VCF-style: chr7-117171029-G-C.
Other names: short protein forms R117P.
Identifiers: ClinVar variation 53764 (VCV000053764.17), dbSNP rs78655421, ClinGen allele CA327221.